The following is an entry in ClinVar:

NM_206933.4(USH2A):c.15322C>T (p.Arg5108Trp)

Gene: USH2A (usherin; minus strand). Cytogenetic location: 1q41.
Variant type: single nucleotide variant.
Coding change: c.15322C>T on transcript NM_206933.4 (MANE Select); coding-DNA position 15322, C replaced by T.
Protein change: p.Arg5108Trp; replaces arginine 5108 with tryptophan.
Molecular consequence: missense variant.
Genome position (GRCh38, 1-based): chr1:215,629,011, G>A on the plus strand (C>T on the coding strand, the complement: USH2A is on the minus strand). VCF-style: chr1-215629011-G-A. GRCh37 (hg19) VCF-style: chr1-215802353-G-A.
Other names: short protein forms R5108W.
Identifiers: ClinVar variation 229623 (VCV000229623.9), dbSNP rs746098518, ClinGen allele CA1392710.

ClinVar aggregate classification (germline): Uncertain significance. Review status: criteria provided, multiple submitters, no conflicts (2 of 4 stars). 6 submissions from 5 submitters: Uncertain significance (4). 2 of the submissions do not count toward it. Last evaluated 2024-10-15.

Conditions:
Retinitis pigmentosa 39 (RP39). Identifiers: Orphanet 791, MedGen C3151138, MONDO:0013436, OMIM 613809.
Usher syndrome type 2A. Also called: RETINAL DISEASE IN USHER SYNDROME TYPE IIA, MODIFIER OF; USHER SYNDROME, TYPE IIA. Identifiers: Orphanet 231178, Orphanet 886, MedGen C1848634, MONDO:0010169, OMIM 276901.

Allele frequency attached by ClinVar (database versions not stated): TOPMed 0.00001.
gnomAD v4.1: 11 of 1,613,190 alleles (0.00068%); highest among the groups gnomAD compares: South Asian, 0.0022%; no homozygotes.

Submissions (6):

Women's Health and Genetics/Laboratory Corporation of America, LabCorp
Classification: Uncertain significance. Last evaluated: 2024-10-15. Review status: criteria provided, single submitter. Criteria: LabCorp Variant Classification Summary - May 2015. Collection method: clinical testing. Allele origin: germline.
Comment: Variant summary: USH2A c.15322C>T (p.Arg5108Trp) results in a non-conservative amino acid change in the encoded protein sequence. Three of five in-silico tools predict a benign effect of the variant on protein function. The variant allele was found at a frequency of 8e-06 in 251096 control chromosomes. The available data on variant occurrences in the general population are insufficient to allow any conclusion about variant significance. c.15322C>T has been reported in the literature in individuals affected with Retinal degeneration (Zampaglione_2020). These data do not allow any conclusion about variant significance. To our knowledge, no experimental evidence demonstrating an impact on protein function has been reported. The following publication have been ascertained in the context of this evaluation (PMID: 32037395). ClinVar contains an entry for this variant (Variation ID: 229623). Based on the evidence outlined above, the variant was classified as uncertain significance.

Genome-Nilou Lab
Classification: Uncertain significance for Retinitis pigmentosa 39. Last evaluated: 2023-11-04. Review status: criteria provided, single submitter. Criteria: ACMG Guidelines, 2015. Collection method: clinical testing. Allele origin: germline. Affected: no.

Genome-Nilou Lab
Classification: Uncertain significance for Usher syndrome type 2A. Last evaluated: 2023-11-04. Review status: criteria provided, single submitter. Criteria: ACMG Guidelines, 2015. Collection method: clinical testing. Allele origin: germline. Affected: no.

Laboratory for Molecular Medicine, Mass General Brigham Personalized Medicine
Classification: Uncertain significance. Last evaluated: 2015-08-11. Review status: criteria provided, single submitter. Criteria: LMM Criteria. Collection method: clinical testing. Allele origin: germline. Observed: 1 variant allele.
Comment: Variant classified as Uncertain Significance - Favor Benign. The p.Arg5108Trp va riant in USH2A has not been previously reported in individuals with hearing loss , but has been identified in 1/16490 of South Asian chromosomes and in 1/11562 o f Latino chromosomes by the Exome Aggregation Consortium (ExAC; dbSNP rs746098518). Arginine (Arg) at position 5108 is not conse rved in mammals or evolutionarily distant species and 2 mammals (Tibetan antelop e and armadillo) carry tryptophan (Trp) at this position, raising the possibilit y that this change may be tolerated. In summary, while the clinical significance of the p.Arg5108Trp variant is uncertain, these data suggest that it is more li kely to be benign.

Natera, Inc.
Classification: Uncertain significance for Usher syndrome type 2A. Last evaluated: 2020-09-16. Review status: no assertion criteria provided. Collection method: clinical testing. Allele origin: germline. Not counted in ClinVar's aggregate classification.

Counsyl
Classification: Uncertain significance for Usher syndrome type 2A; Retinitis pigmentosa 39. Last evaluated: 2016-12-28. Review status: no assertion criteria provided. Collection method: clinical testing. Allele origin: unknown. Not counted in ClinVar's aggregate classification.

Literature cited by the submitters: PubMed 32037395 (cited by Women's Health and Genetics/Laboratory Corporation of America, LabCorp).